The following is an entry in ClinVar:

NM_000439.5(PCSK1):c.1918A>G (p.Thr640Ala)

Genes: CAST (calpastatin; plus strand), PCSK1 (proprotein convertase subtilisin/kexin type 1; minus strand), LOC101929710 (uncharacterized LOC101929710; plus strand). Cytogenetic location: 5q15.
Variant type: single nucleotide variant.
Coding change: c.1918A>G on transcript NM_000439.5 (MANE Select); coding-DNA position 1918, A replaced by G.
Protein change: p.Thr640Ala; replaces threonine 640 with alanine.
Molecular consequence: missense variant.
Genome position (GRCh38, 1-based): chr5:96,393,345, T>C on the plus strand (A>G on the coding strand, the complement: PCSK1 is on the minus strand). VCF-style: chr5-96393345-T-C. GRCh37 (hg19) VCF-style: chr5-95729049-T-C.
Other names: c.1777A>G, p.Thr593Ala (NM_001177875.2); short protein forms T640A, T593A.
Identifiers: ClinVar variation 436278 (VCV000436278.30), dbSNP rs139453594, ClinGen allele CA3350089.

ClinVar aggregate classification (germline): Conflicting classifications of pathogenicity. Review status: criteria provided, conflicting classifications (1 of 4 stars). 10 submissions from 10 submitters: Uncertain significance (5); Benign (1); Likely benign (1). 3 of the submissions do not count toward it. Last evaluated 2026-09-17.

Conditions:
PCSK1-related disorder. Also called: PCSK1-related condition.
Obesity due to prohormone convertase I deficiency. Also called: OBESITY AND ENDOCRINOPATHY DUE TO IMPAIRED PROCESSING OF PROHORMONES. Identifiers: Orphanet 71528, MedGen C1833053, MONDO:0010961, OMIM 600955.

Allele frequency attached by ClinVar (database versions not stated): ESP Exome Variant Server 0.00115; ExAC 0.00120; gnomAD exomes 0.00135 and 0.00231; gnomAD 0.00157; 1000 Genomes Project 30x 0.00172; 1000 Genomes Project 0.00180; TOPMed 0.00227.
gnomAD v4.1: 3,674 of 1,614,020 alleles (0.23%); highest among the groups gnomAD compares: Admixed American, 0.27%; 4 homozygotes.

Submissions (10):

PreventionGenetics, part of Exact Sciences
Classification: Uncertain significance for PCSK1-related condition. Last evaluated: 2026-09-17. Review status: criteria provided, single submitter. Criteria: ACMG Guidelines, 2015. Collection method: clinical testing. Allele origin: germline.
Comment: The PCSK1 c.1918A>G variant is predicted to result in the amino acid substitution p.Thr640Ala. This variant was reported to be associated with high body mass index (BMI) (Ayers et al. 2018. PubMed ID: 29726959). This variant was also reported in one individual with hypothalamic amenorrhea and in two control individuals from a cohort study of women with hypothalamic amenorrhea (Delaney et al. 2020. PubMed ID: 32870266). However, in vitro functional studies show similar activity to wild type (Supplemental Data Set, Shah et al. 2023. PubMed ID: 36864747; Folon et al. 2023. PubMed ID: 36822744), and it is also documented in the general population with an allele frequency up to 0.45% in Ashkenazi Jewish populations. These data indicate that this variant may confer a genetic risk for obesity but likely does not constitute a pathogenic variant for Mendelian disease. Taken together, although we suspect this variant may be benign for Mendelian disease, at this time its clinical significance is uncertain.

CeGaT Center for Human Genetics Tuebingen
Classification: Benign. Last evaluated: 2026-05-01. Review status: criteria provided, single submitter. Criteria: CeGaT Center For Human Genetics Tuebingen Variant Classification Criteria Version 2. Collection method: clinical testing. Allele origin: germline. Affected: yes. Observed: 2 variant alleles.
Comment: PCSK1: BP4, BS1, BS2

Labcorp Genetics (formerly Invitae), Labcorp
Classification: Likely benign. Last evaluated: 2026-01-06. Review status: criteria provided, single submitter. Criteria: Invitae Variant Classification Sherloc (09022015). Collection method: clinical testing. Allele origin: germline.

New York Genome Center
Classification: Uncertain significance for Obesity due to prohormone convertase I deficiency. Last evaluated: 2022-03-15. Review status: criteria provided, single submitter. Criteria: NYGC Assertion Criteria 2020. Collection method: clinical testing. Allele origin: germline. Observed: 1 heterozygote.

Department of Pathology and Laboratory Medicine, Sinai Health System
Classification: Uncertain significance for Obesity due to prohormone convertase I deficiency. Last evaluated: 2022-01-28. Review status: criteria provided, single submitter. Criteria: ACMG Guidelines, 2015. Collection method: research. Allele origin: germline.

Illumina Laboratory Services, Illumina
Classification: Uncertain significance for Obesity due to prohormone convertase I deficiency. Last evaluated: 2017-04-27. Review status: criteria provided, single submitter. Criteria: ICSL Variant Classification Criteria 13 December 2019. Collection method: clinical testing. Allele origin: germline.
Comment: This variant was observed as part of a predisposition screen in an ostensibly healthy population. A literature search was performed for the gene, cDNA change, and amino acid change (where applicable). Publications were found based on this search. However, the evidence from the literature, in combination with allele frequency data from public databases where available, was not sufficient to rule this variant in or out of causing disease. Therefore, this variant is classified as a variant of unknown significance.

Genetic Services Laboratory, University of Chicago
Classification: Uncertain significance. Last evaluated: 2016-02-16. Review status: criteria provided, single submitter. Criteria: ACMG Guidelines, 2015. Collection method: clinical testing. Allele origin: germline. Affected: no.

Clinical Genetics DNA and cytogenetics Diagnostics Lab, Erasmus MC, Erasmus Medical Center
Classification: Likely benign. Review status: no assertion criteria provided. Collection method: clinical testing. Allele origin: germline. Affected: yes. Study: VKGL Data-share Consensus. Not counted in ClinVar's aggregate classification.

Clinical Genetics, Academic Medical Center
Classification: Likely benign. Review status: no assertion criteria provided. Collection method: clinical testing. Allele origin: germline. Affected: yes. Study: VKGL Data-share Consensus. Not counted in ClinVar's aggregate classification.

Genome Diagnostics Laboratory, University Medical Center Utrecht
Classification: Benign. Review status: no assertion criteria provided. Collection method: clinical testing. Allele origin: germline. Affected: yes. Study: VKGL Data-share Consensus. Not counted in ClinVar's aggregate classification.

Literature cited by the submitters: PubMed 23383060 (cited by Illumina Laboratory Services, Illumina).